The following is an entry in ClinVar:

NM_001083116.3(PRF1):c.1356C>T (p.Thr452=)

Gene: PRF1 (perforin 1; minus strand). Cytogenetic location: 10q22.1.
Variant type: single nucleotide variant.
Coding change: c.1356C>T on transcript NM_001083116.3 (MANE Select); coding-DNA position 1356, C replaced by T.
Protein change: p.Thr452=; no amino-acid change (threonine 452 retained).
Molecular consequence: synonymous variant.
Genome position (GRCh38, 1-based): chr10:70,598,365, G>A on the plus strand (C>T on the coding strand, the complement: PRF1 is on the minus strand). VCF-style: chr10-70598365-G-A. GRCh37 (hg19) VCF-style: chr10-72358121-G-A.
Other names: c.1356C>T, p.Thr452= (NM_005041.6); c.1356C>T (NM_001083116.1).
Identifiers: ClinVar variation 1560773 (VCV001560773.10), dbSNP rs765858178, ClinGen allele CA5538763.

ClinVar aggregate classification (germline): Likely benign. Review status: criteria provided, multiple submitters, no conflicts (2 of 4 stars). 3 submissions from 3 submitters: Likely benign (3). Last evaluated 2025-12-17.

Conditions:
PRF1-related disorder. Also called: PRF1-related condition.
Familial hemophagocytic lymphohistiocytosis 2 (FHL2). Also called: PRF1-Related Familial Hemophagocytic Lymphohistiocytosis (PRF1-fHLH). Identifiers: Orphanet 540, MedGen C1863727, MONDO:0011337, OMIM 603553.

Allele frequency attached by ClinVar (database versions not stated): gnomAD 0.00001; TOPMed 0.00002; gnomAD exomes 0.00005; ExAC 0.00007.
gnomAD v4.1: 70 of 1,614,004 alleles (0.0043%); highest among the groups gnomAD compares: Non-Finnish European, 0.0053%; no homozygotes.

Submissions (3):

Labcorp Genetics (formerly Invitae), Labcorp
Classification: Likely benign for Familial hemophagocytic lymphohistiocytosis 2. Last evaluated: 2025-12-17. Review status: criteria provided, single submitter. Criteria: Invitae Variant Classification Sherloc (09022015). Collection method: clinical testing. Allele origin: germline.

PreventionGenetics, part of Exact Sciences
Classification: Likely benign for PRF1-related condition. Last evaluated: 2025-10-06. Review status: criteria provided, single submitter. Criteria: ACMG Guidelines, 2015. Collection method: clinical testing. Allele origin: germline.
Comment: This variant is classified as likely benign based on ACMG/AMP sequence variant interpretation guidelines (Richards et al. 2015 PMID: 25741868, with internal and published modifications).

Blueprint Genetics
Classification: Likely benign. Last evaluated: 2024-11-25. Review status: criteria provided, single submitter. Criteria: ACMG Guidelines, 2015. Collection method: clinical testing. Allele origin: germline.